The following is an entry in ClinVar:

ClinVar aggregate classification (germline): Pathogenic. Review status: criteria provided, multiple submitters, no conflicts (2 of 4 stars). 2 submissions from 2 submitters: Pathogenic (2). Last evaluated 2023-09-29.

Conditions:
Mowat-Wilson syndrome (MOWS). Also called: Classic Mowat-Wilson Syndrome. Identifiers: Orphanet 2152, MedGen C1856113, MONDO:0009341, OMIM 235730.

Submissions (2):

GeneDx
Classification: Pathogenic. Last evaluated: 2023-09-29. Review status: criteria provided, single submitter. Criteria: GeneDx Variant Classification Process June 2021. Collection method: clinical testing. Allele origin: germline. Affected: yes.
Comment: Canonical splice site variant predicted to result in a null allele in a gene for which loss of function is a known mechanism of disease; Not observed at significant frequency in large population cohorts (gnomAD); This variant is associated with the following publications: (PMID: 31440721, 33726816, 33510600, 32964447)

Labcorp Genetics (formerly Invitae), Labcorp
Classification: Pathogenic for Mowat-Wilson syndrome. Last evaluated: 2018-05-15. Review status: criteria provided, single submitter. Criteria: Invitae Variant Classification Sherloc (09022015). Collection method: clinical testing. Allele origin: germline.
Comment: For these reasons, this variant has been classified as Pathogenic. Donor and acceptor splice site variants typically lead to a loss of protein function (PMID: 16199547), and loss-of-function variants in ZEB2 are known to be pathogenic (PMID: 16053902). Algorithms developed to predict the effect of sequence changes on RNA splicing suggest that this variant may disrupt the consensus splice site, but this prediction has not been confirmed by published transcriptional studies. This variant is not present in population databases (ExAC no frequency). This sequence change affects an acceptor splice site in intron 6 of the ZEB2 gene. It is expected to disrupt RNA splicing and likely results in an absent or disrupted protein product.

Literature cited by the submitters: PubMed 16199547 (cited by Labcorp Genetics (formerly Invitae), Labcorp); PubMed 16053902 (cited by Labcorp Genetics (formerly Invitae), Labcorp).

NM_014795.4(ZEB2):c.808-2A>G

Gene: ZEB2 (zinc finger E-box binding homeobox 2; minus strand). Cytogenetic location: 2q22.3.
Variant type: single nucleotide variant.
Coding change: c.808-2A>G on transcript NM_014795.4 (MANE Select); the canonical splice acceptor site of the intron before coding-DNA position 808, A replaced by G.
Molecular consequence: splice acceptor variant.
Genome position (GRCh38, 1-based): chr2:144,401,309, T>C on the plus strand (A>G on the coding strand, the complement: ZEB2 is on the minus strand). VCF-style: chr2-144401309-T-C. GRCh37 (hg19) VCF-style: chr2-145158876-T-C.
Other names: c.736-2A>G (NM_001171653.2).
Identifiers: ClinVar variation 569478 (VCV000569478.10), dbSNP rs1560607925, ClinGen allele CA348713701.